The following is an entry in ClinVar:

ClinVar aggregate classification (germline): Pathogenic (1 of 4 stars; one submission).

Submission:

Labcorp Genetics (formerly Invitae), Labcorp
Classification: Pathogenic. Last evaluated: 2023-10-04. Review status: criteria provided, single submitter. Criteria: Invitae Variant Classification Sherloc (09022015). Collection method: clinical testing. Allele origin: germline.
Comment: This sequence change creates a premature translational stop signal (p.Leu1643Cysfs*7) in the POLE gene. It is expected to result in an absent or disrupted protein product. Loss-of-function variants in POLE are known to be pathogenic (PMID: 23230001, 25948378, 30503519). This variant is not present in population databases (gnomAD no frequency). This variant has not been reported in the literature in individuals affected with POLE-related conditions. For these reasons, this variant has been classified as Pathogenic.

Literature cited by the submitters: PubMed 23230001; PubMed 25948378; PubMed 30503519.

NM_006231.4(POLE):c.4927del (p.Leu1643fs)

Gene: POLE (DNA polymerase epsilon, catalytic subunit; minus strand). Cytogenetic location: 12q24.33.
Variant type: Deletion.
Coding change: c.4927del on transcript NM_006231.4 (MANE Select); coding-DNA position 4927, one base deleted (C; older notation c.4927delC).
Protein change: p.Leu1643fs; shifts the reading frame from leucine 1643.
Molecular consequence: frameshift variant.
Genome position (GRCh38, 1-based): chr12:132,642,531, G deleted on the plus strand (C on the coding strand, the reverse complement: POLE is on the minus strand); the first of 2 consecutive G bases (chr12:132,642,531-132,642,532); deleting either gives the same sequence. VCF-style (leftmost placement, unchanged base first): chr12-132642530-AG-A. GRCh37 (hg19) VCF-style: chr12-133219116-AG-A.
Other names: short protein forms L1643fs.
Identifiers: ClinVar variation 2765049 (VCV002765049.3), dbSNP rs2541885429, ClinGen allele CA2697551576.
Genomic context (GRCh38, chr12:132,642,530, plus strand): 5'-GGGACCACTGGCCCACAACGACAGTACTGTGCTCACCTGCTCATCTCGAAGGCCTGCGAC[AG>A]GCAGGTGTCCAGGTTGAGGTAGTGACGGATCATGCGCCGGGCTCCATGGCGCTGCCAGTC-3'